The following is an entry in ClinVar:

ClinVar aggregate classification (germline): Uncertain significance (1 of 4 stars; one submission).

Conditions:
Myofibrillar myopathy 5. Also called: FILAMINOPATHY, AUTOSOMAL DOMINANT; Filaminopathy (type). Identifiers: Orphanet 171445, MedGen C1836050, MONDO:0012289, OMIM 609524.
Hypertrophic cardiomyopathy 26. Also called: Cardiomyopathy, familial hypertrophic, 26. Identifiers: Orphanet 75249, MedGen C4310749, MONDO:0014883, OMIM 617047.
Distal myopathy with posterior leg and anterior hand involvement. Also called: WILLIAMS DISTAL MYOPATHY. Identifiers: Orphanet 63273, MedGen C3279722, MONDO:0013550, OMIM 614065.

gnomAD v4.1: 1 of 1,614,148 alleles (0.000062%); highest among the groups gnomAD compares: East Asian, 0.0022%; no homozygotes.

Submission:

Labcorp Genetics (formerly Invitae), Labcorp
Classification: Uncertain significance for Distal myopathy with posterior leg and anterior hand involvement; Myofibrillar myopathy 5; Hypertrophic cardiomyopathy 26. Last evaluated: 2022-04-15. Review status: criteria provided, single submitter. Criteria: Invitae Variant Classification Sherloc (09022015). Collection method: clinical testing. Allele origin: germline.
Comment: In summary, the available evidence is currently insufficient to determine the role of this variant in disease. Therefore, it has been classified as a Variant of Uncertain Significance. Algorithms developed to predict the effect of missense changes on protein structure and function are either unavailable or do not agree on the potential impact of this missense change (SIFT: "Deleterious"; PolyPhen-2: "Probably Damaging"; Align-GVGD: "Class C0"). This variant has not been reported in the literature in individuals affected with FLNC-related conditions. This variant is not present in population databases (gnomAD no frequency). This sequence change replaces phenylalanine, which is neutral and non-polar, with leucine, which is neutral and non-polar, at codon 1720 of the FLNC protein (p.Phe1720Leu).

NM_001458.5(FLNC):c.5160C>A (p.Phe1720Leu)

Gene: FLNC (filamin C; plus strand). Cytogenetic location: 7q32.1.
Variant type: single nucleotide variant.
Coding change: c.5160C>A on transcript NM_001458.5 (MANE Select); coding-DNA position 5160, C replaced by A.
Protein change: p.Phe1720Leu; replaces phenylalanine 1720 with leucine.
Molecular consequence: missense variant.
Genome position (GRCh38, 1-based): chr7:128,849,539, C>A. VCF-style: chr7-128849539-C-A. GRCh37 (hg19) VCF-style: chr7-128489593-C-A.
Other names: c.5160C>A, p.Phe1720Leu (NM_001127487.2); short protein forms F1720L.
Identifiers: ClinVar variation 2167075 (VCV002167075.4), dbSNP rs562101000, ClinGen allele CA369204308.